The following is an entry in ClinVar:

ClinVar aggregate classification (germline): Likely benign. Review status: criteria provided, single submitter (1 of 4 stars). 2 submissions from 2 submitters: Likely benign (1). 1 of the submissions does not count toward it. Last evaluated 2024-02-14.

Conditions:
MCPH1-related disorder. Also called: MCPH1-related condition.

Allele frequency attached by ClinVar (database versions not stated): ExAC 0.00002; gnomAD 0.00006; TOPMed 0.00010; ESP Exome Variant Server 0.00025.
gnomAD v4.1: 10 of 1,613,976 alleles (0.00062%); highest among the groups gnomAD compares: African/African-American, 0.013%; no homozygotes.

Submissions (2):

Labcorp Genetics (formerly Invitae), Labcorp
Classification: Likely benign. Last evaluated: 2024-02-14. Review status: criteria provided, single submitter. Criteria: Invitae Variant Classification Sherloc (09022015). Collection method: clinical testing. Allele origin: germline.

PreventionGenetics, part of Exact Sciences
Classification: Likely benign for MCPH1-related condition. Last evaluated: 2020-12-04. Review status: no assertion criteria provided. Collection method: clinical testing. Allele origin: germline. Not counted in ClinVar's aggregate classification.
Comment: This variant is classified as likely benign based on ACMG/AMP sequence variant interpretation guidelines (Richards et al. 2015 PMID: 25741868, with internal and published modifications).

NM_024596.5(MCPH1):c.678C>T (p.Tyr226=)

Gene: MCPH1 (microcephalin 1; plus strand). Cytogenetic location: 8p23.1.
Variant type: single nucleotide variant.
Coding change: c.678C>T on transcript NM_024596.5 (MANE Select); coding-DNA position 678, C replaced by T.
Protein change: p.Tyr226=; no amino-acid change (tyrosine 226 retained).
Molecular consequence: synonymous variant. On other transcripts: non-coding transcript variant (1).
Genome position (GRCh38, 1-based): chr8:6,444,400, C>T. VCF-style: chr8-6444400-C-T. GRCh37 (hg19) VCF-style: chr8-6301921-C-T.
Other names: c.678C>T (NM_001322042.1); c.678C>T, p.Tyr226= (NM_001172574.2, NM_001322042.2, NM_001363979.1 and 3 more transcripts); c.534C>T, p.Tyr178= (NM_001172575.2); c.672C>T, p.Tyr224= (NM_001322043.2); c.576C>T, p.Tyr192= (NM_001322045.2).
Identifiers: ClinVar variation 2918371 (VCV002918371.5), dbSNP rs368040153, ClinGen allele CA4610358.
Genomic context (GRCh38, chr8:6,444,400, plus strand): 5'-ATAGAATAATTTAAACCACTTTTAAAAGTTAGCTCTCCGTTAATGTTTTCCAGATGAATA[C>T]TTTGCTGGTGGCTTACACTCATCTTTTGATGATCTTTGTGGAAACTCAGGATGTGGAAAT-3'
Protein context (NP_078872.3, residues 216-236): ISRDTLCSDE[Tyr226=]FAGGLHSSFD